The following is an entry in ClinVar:

ClinVar aggregate classification (germline): Likely pathogenic (1 of 4 stars; one submission).

Conditions:
Ehlers-Danlos syndrome, kyphoscoliotic type 1 (EDSKSCL1). Also called: EHLERS-DANLOS SYNDROME, OCULAR-SCOLIOTIC TYPE; Ehlers-Danlos syndrome, hydroxylysine-deficient; EHLERS-DANLOS SYNDROME, TYPE VIA; PLOD1-Related Kyphoscoliotic Ehlers-Danlos Syndrome. Identifiers: Orphanet 1900, MedGen C0268342, MONDO:0016002, OMIM 225400. Disease mechanism: loss of function.

Submission:

Labcorp Genetics (formerly Invitae), Labcorp
Classification: Likely pathogenic for Ehlers-Danlos syndrome, kyphoscoliotic type 1. Last evaluated: 2022-10-24. Review status: criteria provided, single submitter. Criteria: Invitae Variant Classification Sherloc (09022015). Collection method: clinical testing. Allele origin: germline.
Comment: In summary, the currently available evidence indicates that the variant is pathogenic, but additional data are needed to prove that conclusively. Therefore, this variant has been classified as Likely Pathogenic. Algorithms developed to predict the effect of sequence changes on RNA splicing suggest that this variant may disrupt the consensus splice site. ClinVar contains an entry for this variant (Variation ID: 1488060). This variant has not been reported in the literature in individuals affected with PLOD1-related conditions. This variant is not present in population databases (gnomAD no frequency). This sequence change affects an acceptor splice site in intron 9 of the PLOD1 gene. It is expected to disrupt RNA splicing. Variants that disrupt the donor or acceptor splice site typically lead to a loss of protein function (PMID: 16199547), and loss-of-function variants in PLOD1 are known to be pathogenic (PMID: 10874315, 21699693).

Literature cited by the submitters: PubMed 16199547; PubMed 10874315; PubMed 21699693.

NM_000302.4(PLOD1):c.976-2A>T

Gene: PLOD1 (procollagen-lysine,2-oxoglutarate 5-dioxygenase 1; plus strand). Cytogenetic location: 1p36.22.
Variant type: single nucleotide variant.
Coding change: c.976-2A>T on transcript NM_000302.4 (MANE Select); the canonical splice acceptor site of the intron before coding-DNA position 976, A replaced by T.
Molecular consequence: splice acceptor variant.
Genome position (GRCh38, 1-based): chr1:11,960,644, A>T. VCF-style: chr1-11960644-A-T. GRCh37 (hg19) VCF-style: chr1-12020701-A-T.
Other names: c.1117-2A>T (NM_001316320.2).
Identifiers: ClinVar variation 1488060 (VCV001488060.6), dbSNP rs1375808651, ClinGen allele CA338436391.